The following is an entry in ClinVar:

ClinVar aggregate classification (germline): Uncertain significance (1 of 4 stars; one submission).

gnomAD v4.1: 1 of 1,614,208 alleles (0.000062%); no homozygotes.

Submission:

Labcorp Genetics (formerly Invitae), Labcorp
Classification: Uncertain significance. Last evaluated: 2024-02-16. Review status: criteria provided, single submitter. Criteria: Invitae Variant Classification Sherloc (09022015). Collection method: clinical testing. Allele origin: germline.
Comment: This sequence change replaces alanine, which is neutral and non-polar, with glycine, which is neutral and non-polar, at codon 368 of the ZNF687 protein (p.Ala368Gly). This variant is not present in population databases (gnomAD no frequency). This variant has not been reported in the literature in individuals affected with ZNF687-related conditions. An algorithm developed to predict the effect of missense changes on protein structure and function (PolyPhen-2) suggests that this variant is likely to be tolerated. In summary, the available evidence is currently insufficient to determine the role of this variant in disease. Therefore, it has been classified as a Variant of Uncertain Significance.

NM_020832.3(ZNF687):c.1103C>G (p.Ala368Gly)

Gene: ZNF687 (zinc finger protein 687; plus strand). Cytogenetic location: 1q21.3.
Variant type: single nucleotide variant.
Coding change: c.1103C>G on transcript NM_020832.3 (MANE Select); coding-DNA position 1103, C replaced by G.
Protein change: p.Ala368Gly; replaces alanine 368 with glycine.
Molecular consequence: missense variant.
Genome position (GRCh38, 1-based): chr1:151,287,394, C>G. VCF-style: chr1-151287394-C-G. GRCh37 (hg19) VCF-style: chr1-151259870-C-G.
Other names: c.1103C>G, p.Ala368Gly (NM_001304763.2, NM_001304764.2); short protein forms A368G.
Identifiers: ClinVar variation 3641351 (VCV003641351.2).